The following is an entry in ClinVar:

NM_001081.4(CUBN):c.5597C>T (p.Pro1866Leu)

Gene: CUBN (cubilin; minus strand). Cytogenetic location: 10p13.
Variant type: single nucleotide variant.
Coding change: c.5597C>T on transcript NM_001081.4 (MANE Select); coding-DNA position 5597, C replaced by T.
Protein change: p.Pro1866Leu; replaces proline 1866 with leucine.
Molecular consequence: missense variant.
Genome position (GRCh38, 1-based): chr10:16,939,099, G>A on the plus strand (C>T on the coding strand, the complement: CUBN is on the minus strand). VCF-style: chr10-16939099-G-A. GRCh37 (hg19) VCF-style: chr10-16981098-G-A.
Other names: short protein forms P1866L.
Identifiers: ClinVar variation 1418251 (VCV001418251.15), dbSNP rs376970710, ClinGen allele CA376156428.

ClinVar aggregate classification (germline): Uncertain significance. Review status: criteria provided, multiple submitters, no conflicts (2 of 4 stars). 3 submissions from 3 submitters: Uncertain significance (3). Last evaluated 2025-11-21.

Conditions:
Imerslund-Grasbeck syndrome type 1 (IGS1). Also called: Imerslund-Gräsbeck syndrome 1; Megaloblastic anemia 1, Finnish type; MEGALOBLASTIC ANEMIA, 1. Identifiers: MedGen C4016819, MONDO:0100156, OMIM 261100.
Proteinuria, chronic benign. Identifiers: MedGen C5394384, MONDO:0030042, OMIM 618884.
Imerslund-Grasbeck syndrome. Also called: ENTEROCYTE COBALAMIN MALABSORPTION; ENTEROCYTE INTRINSIC FACTOR RECEPTOR, DEFECT OF; PERNICIOUS ANEMIA, JUVENILE, DUE TO SELECTIVE INTESTINAL MALABSORPTION OF VITAMIN B12, WITH PROTEINURIA; Imerslund-Gräsbeck syndrome; Megaloblastic anemia due to inborn errors of metabolism. Identifiers: Orphanet 35858, MedGen C4551825, MONDO:0009853.

gnomAD v4.1: 2 of 1,613,980 alleles (0.00012%); highest among the groups gnomAD compares: Non-Finnish European, 0.00017%; no homozygotes.

Submissions (3):

Dasa
Classification: Uncertain significance for Imerslund-Grasbeck syndrome type 1. Last evaluated: 2025-11-21. Review status: criteria provided, single submitter. Criteria: DASA Assertion Criteria. Collection method: clinical testing. Allele origin: germline.
Comment: NM_001081.4(CUBN):c.5597C>T (p.Pro1866Leu) is a missense variant that results in the substitution of proline with leucine. This variant has been reported in individuals with CUBN-related disorders (PMID: 36913226). Also, this variant is rare in population databases. The currently available literature and clinical evidence are not sufficient to establish a definitive association between this variant and the reported condition. Therefore, this variant is classified as a variant of uncertain significance.

Fulgent Genetics
Classification: Uncertain significance for Imerslund-Grasbeck syndrome type 1; Proteinuria, chronic benign. Last evaluated: 2024-02-26. Review status: criteria provided, single submitter. Criteria: ACMG Guidelines, 2015. Collection method: clinical testing. Allele origin: germline.

Labcorp Genetics (formerly Invitae), Labcorp
Classification: Uncertain significance for Imerslund-Grasbeck syndrome. Last evaluated: 2022-06-16. Review status: criteria provided, single submitter. Criteria: Invitae Variant Classification Sherloc (09022015). Collection method: clinical testing. Allele origin: germline.
Comment: In summary, the available evidence is currently insufficient to determine the role of this variant in disease. Therefore, it has been classified as a Variant of Uncertain Significance. Algorithms developed to predict the effect of missense changes on protein structure and function are either unavailable or do not agree on the potential impact of this missense change (SIFT: "Deleterious"; PolyPhen-2: "Probably Damaging"; Align-GVGD: "Class C0"). This variant has not been reported in the literature in individuals affected with CUBN-related conditions. This variant is not present in population databases (gnomAD no frequency). This sequence change replaces proline, which is neutral and non-polar, with leucine, which is neutral and non-polar, at codon 1866 of the CUBN protein (p.Pro1866Leu).

Literature cited by the submitters: PubMed 36913226 (cited by Dasa).